The following is an entry in ClinVar:

ClinVar aggregate classification (germline): Conflicting classifications of pathogenicity. Review status: criteria provided, conflicting classifications (1 of 4 stars). 5 submissions from 5 submitters: Uncertain significance (1); Likely benign (4). Last evaluated 2026-01-11.

Conditions:
Marfan syndrome (MFS). Also called: MARFAN SYNDROME, TYPE I; FBN1-Related Marfan Syndrome; Marfan syndrome type 1; Marfan's syndrome; Marfan syndrome, classic. Identifiers: Orphanet 284963, Orphanet 558, MedGen C0024796, MONDO:0007947, OMIM 154700.
Familial thoracic aortic aneurysm and aortic dissection (TAAD). Also called: Thoracic aortic aneurysms and dissections. Identifiers: Orphanet 91387, MedGen C4707243, MONDO:0019625.

Allele frequency attached by ClinVar (database versions not stated): ExAC 0.00002; TOPMed 0.00002; ESP Exome Variant Server 0.00008; gnomAD exomes 0.00001 and 0.00003; gnomAD 0.00004.
gnomAD v4.1: 25 of 1,614,058 alleles (0.0015%); highest among the groups gnomAD compares: Middle Eastern, 0.033%; no homozygotes.

Submissions (5):

Labcorp Genetics (formerly Invitae), Labcorp
Classification: Likely benign for Marfan syndrome; Familial thoracic aortic aneurysm and aortic dissection. Last evaluated: 2026-01-11. Review status: criteria provided, single submitter. Criteria: Invitae Variant Classification Sherloc (09022015). Collection method: clinical testing. Allele origin: germline.

Women's Health and Genetics/Laboratory Corporation of America, LabCorp
Classification: Uncertain significance. Last evaluated: 2023-06-26. Review status: criteria provided, single submitter. Criteria: LabCorp Variant Classification Summary - May 2015. Collection method: clinical testing. Allele origin: germline.
Comment: Variant summary: FBN1 c.3462C>T (p.Ile1154Ile) alters a non-conserved nucleotide located close to a canonical splice site and therefore could affect mRNA splicing, leading to a significantly altered protein sequence. 4/4 computational tools predict no significant impact on normal splicing. However, these predictions have yet to be confirmed by functional studies. The variant allele was found at a frequency of 3.2e-05 in 251464 control chromosomes (gnomAD). The available data on variant occurrences in the general population are insufficient to allow any conclusion about variant significance. To our knowledge, no occurrence of c.3462C>T in individuals affected with Marfan Syndrome and no experimental evidence demonstrating its impact on protein function have been reported. Four submitters have cited clinical-significance assessments for this variant to ClinVar after 2014. All submitters classified the variant as likely benign. Based on the evidence outlined above, the variant was classified as VUS-possibly benign.

Ambry Genetics
Classification: Likely benign for Familial thoracic aortic aneurysm and aortic dissection. Last evaluated: 2023-03-07. Review status: criteria provided, single submitter. Criteria: Ambry Variant Classification Scheme 2023. Collection method: clinical testing. Allele origin: germline.

Center for Genomics, Ann and Robert H. Lurie Children's Hospital of Chicago
Classification: Likely benign for Marfan syndrome. Last evaluated: 2022-08-15. Review status: criteria provided, single submitter. Criteria: ACMG Guidelines, 2015. Collection method: clinical testing. Allele origin: germline.

Color Diagnostics, LLC DBA Color Health
Classification: Likely benign for Familial thoracic aortic aneurysm and aortic dissection. Last evaluated: 2019-08-14. Review status: criteria provided, single submitter. Criteria: ACMG Guidelines, 2015. Collection method: clinical testing. Allele origin: germline.

NM_000138.5(FBN1):c.3462C>T (p.Ile1154=)

Gene: FBN1 (fibrillin 1; minus strand). Cytogenetic location: 15q21.1.
Variant type: single nucleotide variant.
Coding change: c.3462C>T on transcript NM_000138.5 (MANE Select); coding-DNA position 3462, C replaced by T.
Protein change: p.Ile1154=; no amino-acid change (isoleucine 1154 retained).
Molecular consequence: synonymous variant.
Genome position (GRCh38, 1-based): chr15:48,487,313, G>A on the plus strand (C>T on the coding strand, the complement: FBN1 is on the minus strand). VCF-style: chr15-48487313-G-A. GRCh37 (hg19) VCF-style: chr15-48779510-G-A.
Identifiers: ClinVar variation 495593 (VCV000495593.18), dbSNP rs144339604, ClinGen allele CA050693.
Genomic context (GRCh38, chr15:48,487,313, plus strand): 5'-CAATGATGTCATTCAAACAACTGACCACAAGTAAATGGTGTGAAAGTCTTTCTCCTTACC[G>A]ATACACGCGGAGATGTTGGGGGACAGCTGATGGCCAGGCGGGCATTCACAGCGGTAACTT-3'
Protein context (NP_000129.3, residues 1144-1164): HQLSPNISAC[Ile1154=]DINECELSAH